The following is an entry in ClinVar:

NM_203447.4(DOCK8):c.4240A>G (p.Lys1414Glu)

Gene: DOCK8 (dedicator of cytokinesis 8; plus strand). Cytogenetic location: 9p24.3.
Variant type: single nucleotide variant.
Coding change: c.4240A>G on transcript NM_203447.4 (MANE Select); coding-DNA position 4240, A replaced by G.
Protein change: p.Lys1414Glu; replaces lysine 1414 with glutamic acid.
Molecular consequence: missense variant.
Genome position (GRCh38, 1-based): chr9:422,134, A>G. VCF-style: chr9-422134-A-G. GRCh37 (hg19) VCF-style: chr9-422134-A-G.
Other names: c.3940A>G, p.Lys1314Glu (NM_001190458.2); c.4036A>G, p.Lys1346Glu (NM_001193536.2); short protein forms K1314E, K1346E, K1414E.
Identifiers: ClinVar variation 2080052 (VCV002080052.4), dbSNP rs1236825111, ClinGen allele CA372764967.
Genomic context (GRCh38, chr9:422,134, plus strand): 5'-GAAAATTTGAGATGGAAGAAAGAGCAGACACATTGGCGGCAAGCTAATGAGAAGCTAGAT[A>G]AGTGAGTCACTCGGCAACTTTCTGCTACTTTTACCTAAAGTCCAAAACTATTTTTCCCAG-3'
Protein context (NP_982272.2, residues 1404-1424): HWRQANEKLD[Lys1414Glu]TKAELDQEAL

ClinVar aggregate classification (germline): Uncertain significance (1 of 4 stars; one submission).

Conditions:
Combined immunodeficiency due to DOCK8 deficiency (HIES2). Also called: HIES autosomal recessive; DOCK8 Deficiency; Hyper-IgE recurrent infection syndrome, autosomal recessive; HYPER-IgE RECURRENT INFECTION SYNDROME 2, AUTOSOMAL RECESSIVE; HYPER-IgE SYNDROME 2, AUTOSOMAL RECESSIVE, WITH RECURRENT INFECTIONS. Identifiers: Orphanet 217390, MedGen C4722305, MONDO:0009478, OMIM 243700.

Allele frequency attached by ClinVar (database versions not stated): gnomAD exomes below 0.00001; gnomAD 0.00001.
gnomAD v4.1: 7 of 1,613,832 alleles (0.00043%); highest among the groups gnomAD compares: Non-Finnish European, 0.00059%; no homozygotes.

Submission:

Labcorp Genetics (formerly Invitae), Labcorp
Classification: Uncertain significance for Combined immunodeficiency due to DOCK8 deficiency. Last evaluated: 2022-01-11. Review status: criteria provided, single submitter. Criteria: Invitae Variant Classification Sherloc (09022015). Collection method: clinical testing. Allele origin: germline.
Comment: This sequence change replaces lysine, which is basic and polar, with glutamic acid, which is acidic and polar, at codon 1414 of the DOCK8 protein (p.Lys1414Glu). This variant is present in population databases (no rsID available, gnomAD 0.002%). This variant has not been reported in the literature in individuals affected with DOCK8-related conditions. Algorithms developed to predict the effect of missense changes on protein structure and function are either unavailable or do not agree on the potential impact of this missense change (SIFT: "Tolerated"; PolyPhen-2: "Possibly Damaging"; Align-GVGD: "Class C0"). In summary, the available evidence is currently insufficient to determine the role of this variant in disease. Therefore, it has been classified as a Variant of Uncertain Significance.